The following is an entry in ClinVar:

NM_020921.4(NIN):c.2218C>T (p.Arg740Trp)

Gene: NIN (ninein; minus strand). Cytogenetic location: 14q22.1.
Variant type: single nucleotide variant.
Coding change: c.2218C>T on transcript NM_020921.4 (MANE Select); coding-DNA position 2218, C replaced by T.
Protein change: p.Arg740Trp; replaces arginine 740 with tryptophan.
Molecular consequence: missense variant.
Genome position (GRCh38, 1-based): chr14:50,760,038, G>A on the plus strand (C>T on the coding strand, the complement: NIN is on the minus strand). VCF-style: chr14-50760038-G-A. GRCh37 (hg19) VCF-style: chr14-51226756-G-A.
Other names: c.2218C>T, p.Arg740Trp (NM_016350.5, NM_182944.3, NM_182946.2); short protein forms R740W.
Identifiers: ClinVar variation 1913687 (VCV001913687.5), dbSNP rs763688866, ClinGen allele CA7181984.

ClinVar aggregate classification (germline): Uncertain significance (1 of 4 stars; one submission).

Allele frequency attached by ClinVar (database versions not stated): TOPMed 0.00001.
gnomAD v4.1: 16 of 1,614,036 alleles (0.00099%); highest among the groups gnomAD compares: East Asian, 0.0067%; no homozygotes.

Submission:

Labcorp Genetics (formerly Invitae), Labcorp
Classification: Uncertain significance. Last evaluated: 2022-09-06. Review status: criteria provided, single submitter. Criteria: Invitae Variant Classification Sherloc (09022015). Collection method: clinical testing. Allele origin: germline.
Comment: Algorithms developed to predict the effect of missense changes on protein structure and function are either unavailable or do not agree on the potential impact of this missense change (SIFT: "Deleterious"; PolyPhen-2: "Benign"; Align-GVGD: "Class C25"). In summary, the available evidence is currently insufficient to determine the role of this variant in disease. Therefore, it has been classified as a Variant of Uncertain Significance. This variant has not been reported in the literature in individuals affected with NIN-related conditions. This variant is present in population databases (rs763688866, gnomAD 0.003%). This sequence change replaces arginine, which is basic and polar, with tryptophan, which is neutral and slightly polar, at codon 740 of the NIN protein (p.Arg740Trp).